The following is an entry in ClinVar:

ClinVar aggregate classification (germline): Likely benign. Review status: criteria provided, multiple submitters, no conflicts (2 of 4 stars). 2 submissions from 2 submitters: Likely benign (2). Last evaluated 2025-11-01.

Conditions:
Dilated cardiomyopathy 1W (CMD1W). Identifiers: Orphanet 154, MedGen C1969639, MONDO:0012667, OMIM 611407.

Allele frequency attached by ClinVar (database versions not stated): gnomAD exomes 0.00001; TOPMed 0.00002.
gnomAD v4.1: 17 of 1,614,174 alleles (0.0011%); highest among the groups gnomAD compares: Non-Finnish European, 0.0014%; no homozygotes.

Submissions (2):

Labcorp Genetics (formerly Invitae), Labcorp
Classification: Likely benign for Dilated cardiomyopathy 1W. Last evaluated: 2025-11-01. Review status: criteria provided, single submitter. Criteria: Invitae Variant Classification Sherloc (09022015). Collection method: clinical testing. Allele origin: germline.

GeneDx
Classification: Likely benign. Last evaluated: 2018-02-22. Review status: criteria provided, single submitter. Criteria: GeneDx Variant Classification (06012015). Collection method: clinical testing. Allele origin: germline. Affected: yes.
Comment: This variant is considered likely benign or benign based on one or more of the following criteria: it is a conservative change, it occurs at a poorly conserved position in the protein, it is predicted to be benign by multiple in silico algorithms, and/or has population frequency not consistent with disease.

NM_014000.3(VCL):c.1177-18C>T

Gene: VCL (vinculin; plus strand). Cytogenetic location: 10q22.2.
Variant type: single nucleotide variant.
Coding change: c.1177-18C>T on transcript NM_014000.3 (MANE Select); 18 bases into the intron before coding-DNA position 1177, C replaced by T.
Molecular consequence: intron variant.
Genome position (GRCh38, 1-based): chr10:74,090,005, C>T. VCF-style: chr10-74090005-C-T. GRCh37 (hg19) VCF-style: chr10-75849763-C-T.
Other names: c.1177-18C>T (NM_003373.4).
Identifiers: ClinVar variation 515528 (VCV000515528.8), dbSNP rs1336724326, ClinGen allele CA594709314.